The following is an entry in ClinVar:

NM_152383.5(DIS3L2):c.210G>C (p.Gln70His)

Gene: DIS3L2 (DIS3 like 3'-5' exoribonuclease 2; plus strand). Cytogenetic location: 2q37.1.
Variant type: single nucleotide variant.
Coding change: c.210G>C on transcript NM_152383.5 (MANE Select); coding-DNA position 210, G replaced by C.
Protein change: p.Gln70His; replaces glutamine 70 with histidine.
Molecular consequence: missense variant. On other transcripts: non-coding transcript variant (2).
Genome position (GRCh38, 1-based): chr2:232,015,671, G>C. VCF-style: chr2-232015671-G-C. GRCh37 (hg19) VCF-style: chr2-232880381-G-C.
Other names: c.210G>C, p.Gln70His (NM_001257281.2, NM_001257282.2); short protein forms Q70H.
Identifiers: ClinVar variation 531958 (VCV000531958.8), dbSNP rs1236280328, ClinGen allele CA351152136.

ClinVar aggregate classification (germline): Uncertain significance (1 of 4 stars; one submission).

Conditions:
Perlman syndrome (PRLMNS). Identifiers: Orphanet 2849, MedGen C0796113, MONDO:0009965, OMIM 267000.

Allele frequency attached by ClinVar (database versions not stated): gnomAD 0.00001; gnomAD exomes 0.00002.
gnomAD v4.1: 6 of 1,613,282 alleles (0.00037%); highest among the groups gnomAD compares: Non-Finnish European, 0.00017%; no homozygotes.

Submission:

Labcorp Genetics (formerly Invitae), Labcorp
Classification: Uncertain significance for Perlman syndrome. Last evaluated: 2017-12-18. Review status: criteria provided, single submitter. Criteria: Invitae Variant Classification Sherloc (09022015). Collection method: clinical testing. Allele origin: germline.
Comment: This sequence change replaces glutamine with histidine at codon 70 of the DIS3L2 protein (p.Gln70His). The glutamine residue is moderately conserved and there is a small physicochemical difference between glutamine and histidine. This variant also falls at the last nucleotide of exon 3 of the DIS3L2 coding sequence, which is part of the consensus splice site for this exon. This variant is not present in population databases (ExAC no frequency). This variant has not been reported in the literature in individuals with DIS3L2-related disease. Algorithms developed to predict the effect of missense changes on protein structure and function do not agree on the potential impact of this missense change (SIFT: "Deleterious"; PolyPhen-2: "Possibly Damaging"; Align-GVGD: "Class C0"). Nucleotide substitutions within the consensus splice site are a relatively common cause of aberrant splicing (PMID: 17576681, 9536098). Algorithms developed to predict the effect of sequence changes on RNA splicing suggest that this variant may disrupt the consensus splice site, but this prediction has not been confirmed by published transcriptional studies. In summary, the available evidence is currently insufficient to determine the role of this variant in disease. Therefore, it has been classified as a Variant of Uncertain Significance.

Literature cited by the submitters: PubMed 17576681; PubMed 9536098.